The following is an entry in ClinVar:

NM_000051.4(ATM):c.6975+4T>A

Genes: ATM (ATM serine/threonine kinase; plus strand), C11orf65 (chromosome 11 open reading frame 65; minus strand). Cytogenetic location: 11q22.3.
Variant type: single nucleotide variant.
Coding change: c.6975+4T>A on transcript NM_000051.4 (MANE Select); 4 bases into the intron after coding-DNA position 6975, T replaced by A.
Molecular consequence: intron variant.
Genome position (GRCh38, 1-based): chr11:108,326,229, T>A. VCF-style: chr11-108326229-T-A. GRCh37 (hg19) VCF-style: chr11-108196956-T-A.
Other names: c.6975+4T>A (NM_001351834.2); c.641-17158A>T (NM_001330368.2); c.*38+8991A>T (NM_001351110.2).
Identifiers: ClinVar variation 233171 (VCV000233171.17), dbSNP rs876660240, ClinGen allele CA10579245.

ClinVar aggregate classification (germline): Conflicting classifications of pathogenicity. Review status: criteria provided, conflicting classifications (1 of 4 stars). 3 submissions from 3 submitters: Uncertain significance (2); Likely benign (1). Last evaluated 2024-12-11.

Conditions:
Hereditary cancer-predisposing syndrome. Also called: Neoplastic Syndromes, Hereditary; Hereditary neoplastic syndrome; Tumor predisposition; Hereditary Cancer Syndrome. Identifiers: Orphanet 140162, MedGen C0027672, MeSH D009386, MONDO:0015356.
Familial cancer of breast. Also called: hereditary breast carcinoma; Hereditary breast cancer; BREAST CANCER, FAMILIAL. Identifiers: Orphanet 227535, MedGen C0346153, MONDO:0016419, OMIM 114480. Disease mechanism: loss of function.
Ataxia-telangiectasia syndrome (AT). Also called: Ataxia telangiectasia (A-T); Cerebello-oculocutaneous telangiectasia; Immunodeficiency with ataxia telangiectasia; LOUIS-BAR SYNDROME; AT, COMPLEMENTATION GROUP C; ATAXIA-TELANGIECTASIA, FRESNO VARIANT. Identifiers: Orphanet 100, MedGen C0004135, MONDO:0008840, OMIM 208900.

Submissions (3):

Ambry Genetics
Classification: Uncertain significance for Hereditary cancer-predisposing syndrome. Last evaluated: 2024-12-11. Review status: criteria provided, single submitter. Criteria: Ambry Variant Classification Scheme 2023. Collection method: clinical testing. Allele origin: germline.
Comment: The c.6975+4T>A intronic variant results from a T to A substitution 4 nucleotides after coding exon 46 in the ATM gene. This nucleotide position is not well conserved in available vertebrate species. In silico splice site analysis predicts that this alteration will not have any significant effect on splicing. Based on the available evidence, the clinical significance of this variant remains unclear.

Myriad Genetics, Inc.
Classification: Likely benign for Familial cancer of breast. Last evaluated: 2024-06-12. Review status: criteria provided, single submitter. Criteria: Myriad Autosomal Dominant, Autosomal Recessive and X-Linked Classification Criteria (2023). Collection method: clinical testing. Allele origin: unknown.
Comment: This variant is considered likely benign. This variant is intronic and is not expected to impact mRNA splicing.

Labcorp Genetics (formerly Invitae), Labcorp
Classification: Uncertain significance for Ataxia-telangiectasia syndrome. Last evaluated: 2019-05-09. Review status: criteria provided, single submitter. Criteria: Invitae Variant Classification Sherloc (09022015). Collection method: clinical testing. Allele origin: germline.
Comment: Nucleotide substitutions within the consensus splice site are a relatively common cause of aberrant splicing (PMID: 17576681, 9536098). Algorithms developed to predict the effect of sequence changes on RNA splicing suggest that this variant may create or strengthen a splice site, but this prediction has not been confirmed by published transcriptional studies. In summary, the available evidence is currently insufficient to determine the role of this variant in disease. Therefore, it has been classified as a Variant of Uncertain Significance. This variant has not been reported in the literature in individuals with ATM-related conditions. ClinVar contains an entry for this variant (Variation ID: 233171). This variant is not present in population databases (ExAC no frequency). This sequence change falls in intron 47 of the ATM gene. It does not directly change the encoded amino acid sequence of the ATM protein, but it affects a nucleotide within the consensus splice site of the intron.

Literature cited by the submitters: PubMed 17576681 (cited by Labcorp Genetics (formerly Invitae), Labcorp); PubMed 9536098 (cited by Labcorp Genetics (formerly Invitae), Labcorp).